The following is an entry in ClinVar:

NM_002489.4(COXFA4):c.43-1G>A

Gene: COXFA4 (cytochrome c oxidase associated subunit FA4; minus strand). Cytogenetic location: 7p21.3.
Variant type: single nucleotide variant.
Coding change: c.43-1G>A on transcript NM_002489.4 (MANE Select); the canonical splice acceptor site of the intron before coding-DNA position 43, G replaced by A.
Molecular consequence: splice acceptor variant.
Genome position (GRCh38, 1-based): chr7:10,938,897, C>T on the plus strand (G>A on the coding strand, the complement: COXFA4 is on the minus strand). VCF-style: chr7-10938897-C-T. GRCh37 (hg19) VCF-style: chr7-10978524-C-T.
Other names: IVS1AS, G-A, -1.
Identifiers: ClinVar variation 3898851 (VCV003898851.2).

ClinVar aggregate classification (germline): Pathogenic. Review status: criteria provided, single submitter (1 of 4 stars). 2 submissions from 2 submitters: Pathogenic (1). 1 of the submissions does not count toward it. Last evaluated 2024-11-12.

Conditions:
Mitochondrial complex IV deficiency, nuclear type 21. Also called: Mitochondrial complex 4 deficiency, nuclear type 21. Identifiers: MedGen C5436727, MONDO:0033656, OMIM 619065.

Submissions (2):

GeneDx
Classification: Pathogenic. Last evaluated: 2024-11-12. Review status: criteria provided, single submitter. Criteria: GeneDx Variant Classification Process June 2021. Collection method: clinical testing. Allele origin: germline. Affected: yes.
Comment: Has not been previously published as pathogenic or benign to our knowledge; Canonical splice site variant predicted to result in a null allele in a gene for which loss of function is a known mechanism of disease; Not observed at significant frequency in large population cohorts (gnomAD)

OMIM
Classification: Pathogenic for MITOCHONDRIAL COMPLEX IV DEFICIENCY, NUCLEAR TYPE 21. Last evaluated: 2026-09-28. Review status: no assertion criteria provided. Collection method: literature only. Allele origin: germline. Not counted in ClinVar's aggregate classification.

Literature cited by the submitters: PubMed 42218136 (cited by OMIM).